The following is an entry in ClinVar:

ClinVar aggregate classification (germline): Uncertain significance (1 of 4 stars; one submission).

Conditions:
Inborn genetic diseases. Identifiers: MedGen C0950123, MeSH D030342.

Allele frequency attached by ClinVar (database versions not stated): ExAC 0.00001; gnomAD 0.00001; TOPMed 0.00001; ESP Exome Variant Server 0.00008.
gnomAD v4.1: 8 of 1,598,394 alleles (0.0005%); highest among the groups gnomAD compares: Non-Finnish European, 0.00068%; no homozygotes.

Submission:

Ambry Genetics
Classification: Uncertain significance for Inborn genetic diseases. Last evaluated: 2022-10-17. Review status: criteria provided, single submitter. Criteria: Ambry Variant Classification Scheme 2023. Collection method: clinical testing. Allele origin: germline.
Comment: The p.D1615E variant (also known as c.4845C>G), located in coding exon 27 of the ATR gene, results from a C to G substitution at nucleotide position 4845. The aspartic acid at codon 1615 is replaced by glutamic acid, an amino acid with highly similar properties. This amino acid position is conserved. In addition, this alteration is predicted to be tolerated by in silico analysis. Since supporting evidence is limited at this time, the clinical significance of this alteration remains unclear.

NM_001184.4(ATR):c.4845C>G (p.Asp1615Glu)

Gene: ATR (ATR checkpoint kinase; minus strand). Cytogenetic location: 3q23.
Variant type: single nucleotide variant.
Coding change: c.4845C>G on transcript NM_001184.4 (MANE Select); coding-DNA position 4845, C replaced by G.
Protein change: p.Asp1615Glu; replaces aspartic acid 1615 with glutamic acid.
Molecular consequence: missense variant.
Genome position (GRCh38, 1-based): chr3:142,512,267, G>C on the plus strand (C>G on the coding strand, the complement: ATR is on the minus strand). VCF-style: chr3-142512267-G-C. GRCh37 (hg19) VCF-style: chr3-142231109-G-C.
Other names: c.4653C>G, p.Asp1551Glu (NM_001354579.2); short protein forms D1551E, D1615E.
Identifiers: ClinVar variation 1743527 (VCV001743527.2), dbSNP rs369712804, ClinGen allele CA2649760.